The following is an entry in ClinVar:

ClinVar aggregate classification (germline): Uncertain significance (1 of 4 stars; one submission).

Allele frequency attached by ClinVar (database versions not stated): gnomAD 0.00001; gnomAD exomes 0.00001; TOPMed 0.00001; 1000 Genomes Project 30x 0.00016.
gnomAD v4.1: 14 of 1,614,186 alleles (0.00087%); highest among the groups gnomAD compares: East Asian, 0.0022%; no homozygotes.

Submission:

Labcorp Genetics (formerly Invitae), Labcorp
Classification: Uncertain significance. Last evaluated: 2021-09-24. Review status: criteria provided, single submitter. Criteria: Invitae Variant Classification Sherloc (09022015). Collection method: clinical testing. Allele origin: germline.
Comment: This sequence change replaces arginine with glutamine at codon 380 of the FAM161A protein (p.Arg380Gln). The arginine residue is moderately conserved and there is a small physicochemical difference between arginine and glutamine. This variant is not present in population databases (ExAC no frequency). This variant has not been reported in the literature in individuals with FAM161A-related conditions. Algorithms developed to predict the effect of missense changes on protein structure and function are either unavailable or do not agree on the potential impact of this missense change (SIFT: "Tolerated"; PolyPhen-2: "Possibly Damaging"; Align-GVGD: "Class C0"). In summary, the available evidence is currently insufficient to determine the role of this variant in disease. Therefore, it has been classified as a Variant of Uncertain Significance.

NM_001201543.2(FAM161A):c.1139G>A (p.Arg380Gln)

Gene: FAM161A (FAM161 centrosomal protein A; minus strand). Cytogenetic location: 2p15.
Variant type: single nucleotide variant.
Coding change: c.1139G>A on transcript NM_001201543.2 (MANE Select); coding-DNA position 1139, G replaced by A.
Protein change: p.Arg380Gln; replaces arginine 380 with glutamine.
Molecular consequence: missense variant. On other transcripts: non-coding transcript variant (1).
Genome position (GRCh38, 1-based): chr2:61,839,865, C>T on the plus strand (G>A on the coding strand, the complement: FAM161A is on the minus strand). VCF-style: chr2-61839865-C-T. GRCh37 (hg19) VCF-style: chr2-62067000-C-T.
Other names: c.1139G>A, p.Arg380Gln (NM_032180.3); short protein forms R380Q.
Identifiers: ClinVar variation 1990919 (VCV001990919.1), dbSNP rs182330974, ClinGen allele CA48477485.